The following is an entry in ClinVar:

NM_012186.3(FOXE3):c.154G>C (p.Ala52Pro)

Genes: FOXE3 (forkhead box E3; plus strand), LINC01389 (long intergenic non-protein coding RNA 1389; minus strand). Cytogenetic location: 1p33.
Variant type: single nucleotide variant.
Coding change: c.154G>C on transcript NM_012186.3 (MANE Select); coding-DNA position 154, G replaced by C.
Protein change: p.Ala52Pro; replaces alanine 52 with proline.
Molecular consequence: missense variant.
Genome position (GRCh38, 1-based): chr1:47,416,469, G>C. VCF-style: chr1-47416469-G-C. GRCh37 (hg19) VCF-style: chr1-47882141-G-C.
Other names: short protein forms A52P.
Identifiers: ClinVar variation 2563301 (VCV002563301.2), dbSNP rs1646883116, ClinGen allele CA340249142.

ClinVar aggregate classification (germline): Uncertain significance (1 of 4 stars; one submission).

Conditions:
Cardiovascular phenotype. Identifiers: MedGen CN230736.

Submission:

Ambry Genetics
Classification: Uncertain significance for Cardiovascular phenotype. Last evaluated: 2023-04-28. Review status: criteria provided, single submitter. Criteria: Ambry Variant Classification Scheme 2023. Collection method: clinical testing. Allele origin: germline.
Comment: The p.A52P variant (also known as c.154G>C), located in coding exon 1 of the FOXE3 gene, results from a G to C substitution at nucleotide position 154. The alanine at codon 52 is replaced by proline, an amino acid with highly similar properties. This amino acid position is conserved. In addition, this alteration is predicted to be tolerated by in silico analysis. Since supporting evidence is limited at this time, the clinical significance of this alteration remains unclear.